The following is an entry in ClinVar:

ClinVar aggregate classification (germline): Uncertain significance (1 of 4 stars; one submission).

Submission:

Women's Health and Genetics/Laboratory Corporation of America, LabCorp
Classification: Uncertain significance. Last evaluated: 2025-05-08. Review status: criteria provided, single submitter. Criteria: LabCorp Variant Classification Summary - May 2015. Collection method: clinical testing. Allele origin: germline.
Comment: Variant summary: TTN c.97160G>C (p.Cys32387Ser) results in a non-conservative amino acid change in the encoded protein sequence. Algorithms developed to predict the effect of missense changes on protein structure and function are either unavailable or do not agree on the potential impact of this missense change. The variant was absent in 249202 control chromosomes. The available data on variant occurrences in the general population are insufficient to allow any conclusion about variant significance. To our knowledge, no occurrence of c.97160G>C in individuals affected with Autosomal Recessive Titinopathy and no experimental evidence demonstrating its impact on protein function have been reported. No submitters have cited clinical-significance assessments for this variant to ClinVar. Based on the evidence outlined above, the variant was classified as uncertain significance.

NM_001267550.2(TTN):c.104864G>C (p.Cys34955Ser)

Genes: TTN (titin; minus strand), TTN-AS1 (TTN antisense RNA 1; plus strand). Cytogenetic location: 2q31.2.
Variant type: single nucleotide variant.
Coding change: c.104864G>C on transcript NM_001267550.2 (MANE Select); coding-DNA position 104864, G replaced by C.
Protein change: p.Cys34955Ser; replaces cysteine 34955 with serine.
Molecular consequence: missense variant.
Genome position (GRCh38, 1-based): chr2:178,531,751, C>G on the plus strand (G>C on the coding strand, the complement: TTN is on the minus strand). VCF-style: chr2-178531751-C-G. GRCh37 (hg19) VCF-style: chr2-179396478-C-G.
Other names: c.99941G>C, p.Cys33314Ser (NM_001256850.1); c.77669G>C, p.Cys25890Ser (NM_003319.4); c.97160G>C, p.Cys32387Ser (NM_133378.4); c.78044G>C, p.Cys26015Ser (NM_133432.3); c.78245G>C, p.Cys26082Ser (NM_133437.4); short protein forms C25890S, C26015S, C26082S, C32387S, C33314S, C34955S.
Identifiers: ClinVar variation 3902384 (VCV003902384.1).